The following is an entry in ClinVar:

ClinVar aggregate classification (germline): Uncertain significance (1 of 4 stars; one submission).

Conditions:
PRPH2-related disorder. Also called: PRPH2-related disorders; PRPH2-related condition. Identifiers: MedGen CN239395.

Allele frequency attached by ClinVar (database versions not stated): gnomAD exomes below 0.00001; ExAC 0.00001.

Submission:

Labcorp Genetics (formerly Invitae), Labcorp
Classification: Uncertain significance for PRPH2-related disorder. Last evaluated: 2022-06-20. Review status: criteria provided, single submitter. Criteria: Invitae Variant Classification Sherloc (09022015). Collection method: clinical testing. Allele origin: germline.
Comment: In summary, the available evidence is currently insufficient to determine the role of this variant in disease. Therefore, it has been classified as a Variant of Uncertain Significance. Advanced modeling of protein sequence and biophysical properties (such as structural, functional, and spatial information, amino acid conservation, physicochemical variation, residue mobility, and thermodynamic stability) performed at Invitae indicates that this missense variant is expected to disrupt PRPH2 protein function. This variant has not been reported in the literature in individuals affected with PRPH2-related conditions. This variant is present in population databases (rs768473101, gnomAD 0.003%). This sequence change replaces glycine, which is neutral and non-polar, with arginine, which is basic and polar, at codon 133 of the PRPH2 protein (p.Gly133Arg).

NM_000322.5(PRPH2):c.397G>A (p.Gly133Arg)

Gene: PRPH2 (peripherin 2; minus strand). Cytogenetic location: 6p21.1.
Variant type: single nucleotide variant.
Coding change: c.397G>A on transcript NM_000322.5 (MANE Select); coding-DNA position 397, G replaced by A.
Protein change: p.Gly133Arg; replaces glycine 133 with arginine.
Molecular consequence: missense variant.
Genome position (GRCh38, 1-based): chr6:42,721,938, C>T on the plus strand (G>A on the coding strand, the complement: PRPH2 is on the minus strand). VCF-style: chr6-42721938-C-T. GRCh37 (hg19) VCF-style: chr6-42689676-C-T.
Other names: short protein forms G133R.
Identifiers: ClinVar variation 1364193 (VCV001364193.6), dbSNP rs768473101, ClinGen allele CA3808622.